The following is an entry in ClinVar:

ClinVar aggregate classification (germline): Uncertain significance (1 of 4 stars; one submission).

Allele frequency attached by ClinVar (database versions not stated): gnomAD exomes below 0.00001; gnomAD 0.00001; TOPMed 0.00001.

Submission:

Women's Health and Genetics/Laboratory Corporation of America, LabCorp
Classification: Uncertain significance. Last evaluated: 2024-03-28. Review status: criteria provided, single submitter. Criteria: LabCorp Variant Classification Summary - May 2015. Collection method: clinical testing. Allele origin: germline.
Comment: Variant summary: HBB c.-6G>C is located in the untranslated mRNA region upstream of the initiation codon. The variant was absent in 251080 control chromosomes. c.-6G>C has been reported in the literature in individuals affected with Beta Thalassemia or related disorders. These data indicate that the variant may be associated with disease. At least one publication reports experimental evidence evaluating an impact on protein function. The most pronounced variant effect results in about 70% of normal activity. The following publications have been ascertained in the context of this evaluation (PMID: 14687034, 24099628). No submitters have cited clinical-significance assessments for this variant to ClinVar. Based on the evidence outlined above, the variant was classified as VUS-possibly pathogenic.

Literature cited by the submitters: PubMed 24099628; PubMed 14687034.

NM_000518.5(HBB):c.-6G>C

Genes: HBB (hemoglobin subunit beta; minus strand), LOC106099062 (HBB recombination region; plus strand), LOC107133510 (origin of replication at HBB; plus strand). Cytogenetic location: 11p15.4.
Variant type: single nucleotide variant.
Coding change: c.-6G>C on transcript NM_000518.5 (MANE Select); 6 bases upstream of the start codon, G replaced by C.
Molecular consequence: 5 prime UTR variant.
Genome position (GRCh38, 1-based): chr11:5,227,027, C>G on the plus strand (G>C on the coding strand, the complement: HBB is on the minus strand). VCF-style: chr11-5227027-C-G. GRCh37 (hg19) VCF-style: chr11-5248257-C-G.
Identifiers: ClinVar variation 3233600 (VCV003233600.2), dbSNP rs1337405246, ClinGen allele CA677538010.